The following is an entry in ClinVar:

ClinVar aggregate classification (germline): Uncertain significance. Review status: criteria provided, multiple submitters, no conflicts (2 of 4 stars). 2 submissions from 2 submitters: Uncertain significance (2). Last evaluated 2025-11-22.

Conditions:
Hereditary nonpolyposis colorectal neoplasms. Identifiers: MedGen C0009405, MeSH D003123.
Lynch syndrome. Identifiers: Orphanet 144, MedGen C4552100, MONDO:0005835. Disease mechanism: loss of function.

Allele frequency attached by ClinVar (database versions not stated): ESP Exome Variant Server 0.00008.

Submissions (2):

Labcorp Genetics (formerly Invitae), Labcorp
Classification: Uncertain significance for Hereditary nonpolyposis colorectal neoplasms. Last evaluated: 2025-11-22. Review status: criteria provided, single submitter. Criteria: Invitae Variant Classification Sherloc (09022015). Collection method: clinical testing. Allele origin: germline.
Comment: This sequence change replaces alanine, which is neutral and non-polar, with serine, which is neutral and polar, at codon 1320 of the MSH6 protein (p.Ala1320Ser). This variant is not present in population databases (gnomAD no frequency). This variant has not been reported in the literature in individuals affected with MSH6-related conditions. ClinVar contains an entry for this variant (Variation ID: 3004201). Invitae Evidence Modeling of protein sequence and biophysical properties (such as structural, functional, and spatial information, amino acid conservation, physicochemical variation, residue mobility, and thermodynamic stability) indicates that this missense variant is not expected to disrupt MSH6 protein function with a negative predictive value of 95%. In summary, the available evidence is currently insufficient to determine the role of this variant in disease. Therefore, it has been classified as a Variant of Uncertain Significance.

All of Us Research Program, National Institutes of Health
Classification: Uncertain significance for Lynch syndrome. Last evaluated: 2023-07-10. Review status: criteria provided, single submitter. Criteria: ACMG Guidelines, 2015. Collection method: clinical testing. Allele origin: germline. Inheritance: Autosomal dominant inheritance. Observed: 1 variant allele, 1 heterozygote.
Comment: This missense variant replaces alanine with serine at codon 1320 of the MSH6 protein. Computational prediction is inconclusive regarding the impact of this variant on protein structure and function (internally defined REVEL score threshold 0.5 < inconclusive < 0.7, PMID: 27666373). To our knowledge, functional studies have not been reported for this variant. This variant has not been reported in individuals affected with MSH6-related disorders in the literature. This variant has not been identified in the general population by the Genome Aggregation Database (gnomAD). The available evidence is insufficient to determine the role of this variant in disease conclusively. Therefore, this variant is classified as a Variant of Uncertain Significance.

This study involves interpretation of variants in research participants for the purpose of population health screening. Participant phenotype was not available at the time of variant classification. Additional details can be found in publication PMID: 35346344, PMCID: PMC8962531

NM_000179.3(MSH6):c.3958G>T (p.Ala1320Ser)

Gene: MSH6 (mutS homolog 6; plus strand). Cytogenetic location: 2p16.3.
Variant type: single nucleotide variant.
Coding change: c.3958G>T on transcript NM_000179.3 (MANE Select); coding-DNA position 3958, G replaced by T.
Protein change: p.Ala1320Ser; replaces alanine 1320 with serine.
Molecular consequence: missense variant. On other transcripts: non-coding transcript variant (5), intron variant (1).
Genome position (GRCh38, 1-based): chr2:47,806,608, G>T. VCF-style: chr2-47806608-G-T. GRCh37 (hg19) VCF-style: chr2-48033747-G-T.
Other names: c.3568G>T, p.Ala1190Ser (NM_001281492.2); c.3052G>T, p.Ala1018Ser (NM_001281493.2, NM_001281494.2, NM_001406811.1 and 6 more transcripts); c.4054G>T, p.Ala1352Ser (NM_001406795.1); c.3958G>T, p.Ala1320Ser (NM_001406796.1, NM_001406808.1, NM_001406809.1); c.3661G>T, p.Ala1221Ser (NM_001406797.1, NM_001406801.1, NM_001406805.1 and 10 more transcripts); c.3784G>T, p.Ala1262Ser (NM_001406798.1); c.3433G>T, p.Ala1145Ser (NM_001406799.1, NM_001406806.1, NM_001406807.1); c.3945G>T, p.Lys1315Asn (NM_001406800.1); and 9 more; short protein forms A1294S, A1320S, A1264S, A1322S, A269S, K1315N, A1018S, A1032S.
Identifiers: ClinVar variation 3004201 (VCV003004201.4), dbSNP rs376300764, ClinGen allele CA46719870.